The following is an entry in ClinVar:

ClinVar aggregate classification (germline): Conflicting classifications of pathogenicity. Review status: criteria provided, conflicting classifications (1 of 4 stars). 4 submissions from 4 submitters: Uncertain significance (3); Likely benign (1). Last evaluated 2025-09-10.

Conditions:
Hereditary cancer-predisposing syndrome. Also called: Neoplastic Syndromes, Hereditary; Hereditary Cancer Syndrome; Hereditary neoplastic syndrome; Tumor predisposition. Identifiers: Orphanet 140162, MedGen C0027672, MeSH D009386, MONDO:0015356.
Ataxia-telangiectasia syndrome (AT). Also called: Ataxia-telangiectasia, complementation group E; Cerebello-oculocutaneous telangiectasia; Immunodeficiency with ataxia telangiectasia; Ataxia-telangiectasia, complementation group D; AT, COMPLEMENTATION GROUP C; Ataxia-telangiectasia. Identifiers: Orphanet 100, MedGen C0004135, MONDO:0008840, OMIM 208900.

gnomAD v4.1: 3 of 1,613,690 alleles (0.00019%); highest among the groups gnomAD compares: Non-Finnish European, 0.00025%; no homozygotes.

Submissions (4):

Institute for Biomarker Research, Medical Diagnostic Laboratories, L.L.C.
Classification: Uncertain significance for Hereditary cancer-predisposing syndrome. Last evaluated: 2025-09-10. Review status: criteria provided, single submitter. Criteria: ACMG Guidelines, 2015. Collection method: clinical testing. Allele origin: germline.
Comment: The missense variant NM_000051.4(ATM):c.4447A>T (p.Ile1483Phe) has not been reported previously as a pathogenic variant nor as a benign variant, to our knowledge. There is a small physicochemical difference between isoleucine and phenylalanine, which is not likely to impact secondary protein structure as these residues share similar properties. The gene ATM has a low rate of benign missense variation as indicated by a high missense variants Z-Score of 2.52. The p.Ile1483Phe variant is not predicted to disrupt the existing acceptor splice site 11bp upstream by any splice site algorithm. The p.Ile1483Phe variant is not predicted to introduce a novel splice site by any splice site algorithm. The p.Ile1483Phe missense variant is predicted to be tolerated by both SIFT or PolyPhen2. For these reasons, this variant has been classified as Uncertain Significance.

Ambry Genetics
Classification: Likely benign for Hereditary cancer-predisposing syndrome. Last evaluated: 2025-09-03. Review status: criteria provided, single submitter. Criteria: Ambry Variant Classification Scheme 2023. Collection method: clinical testing. Allele origin: germline.

Labcorp Genetics (formerly Invitae), Labcorp
Classification: Uncertain significance for Ataxia-telangiectasia syndrome. Last evaluated: 2024-11-05. Review status: criteria provided, single submitter. Criteria: Invitae Variant Classification Sherloc (09022015). Collection method: clinical testing. Allele origin: germline.
Comment: This sequence change replaces isoleucine, which is neutral and non-polar, with phenylalanine, which is neutral and non-polar, at codon 1483 of the ATM protein (p.Ile1483Phe). This variant is present in population databases (no rsID available, gnomAD 0.0009%). This variant has not been reported in the literature in individuals affected with ATM-related conditions. ClinVar contains an entry for this variant (Variation ID: 850363). Invitae Evidence Modeling of protein sequence and biophysical properties (such as structural, functional, and spatial information, amino acid conservation, physicochemical variation, residue mobility, and thermodynamic stability) indicates that this missense variant is not expected to disrupt ATM protein function with a negative predictive value of 95%. In summary, the available evidence is currently insufficient to determine the role of this variant in disease. Therefore, it has been classified as a Variant of Uncertain Significance.

Quest Diagnostics Nichols Institute San Juan Capistrano
Classification: Uncertain significance. Last evaluated: 2024-08-01. Review status: criteria provided, single submitter. Criteria: Quest Diagnostics criteria. Collection method: clinical testing. Allele origin: unknown.

Literature cited by the submitters: PubMed 33471991 (cited by Quest Diagnostics Nichols Institute San Juan Capistrano); PubMed 34653365 (cited by Quest Diagnostics Nichols Institute San Juan Capistrano).

NM_000051.4(ATM):c.4447A>T (p.Ile1483Phe)

Gene: ATM (ATM serine/threonine kinase; plus strand). Cytogenetic location: 11q22.3.
Variant type: single nucleotide variant.
Coding change: c.4447A>T on transcript NM_000051.4 (MANE Select); coding-DNA position 4447, A replaced by T.
Protein change: p.Ile1483Phe; replaces isoleucine 1483 with phenylalanine.
Molecular consequence: missense variant.
Genome position (GRCh38, 1-based): chr11:108,292,629, A>T. VCF-style: chr11-108292629-A-T. GRCh37 (hg19) VCF-style: chr11-108163356-A-T.
Other names: c.4447A>T, p.Ile1483Phe (NM_001351834.2); short protein forms I1483F.
Identifiers: ClinVar variation 850363 (VCV000850363.12), dbSNP rs1281685502, ClinGen allele CA382532949.